The following is an entry in ClinVar:

ClinVar aggregate classification (germline): Pathogenic. Review status: criteria provided, multiple submitters, no conflicts (2 of 4 stars). 6 submissions from 6 submitters: Pathogenic (3). 3 of the submissions do not count toward it. Last evaluated 2024-10-26.

Conditions:
Macular dystrophy. Identifiers: MedGen C0730292, HP:0007754.
Retinal dystrophy. Also called: Inherited retinal dystrophy. Identifiers: Orphanet 71862, MedGen C0854723, MeSH D058499, MONDO:0019118, HP:0000556.
Vitelliform macular dystrophy 2. Also called: Best Macular Dystrophy; Best vitelliform macular dystrophy, multifocal; Best Vitelliform Macular Dystrophy (BVMD); MACULAR DEGENERATION, POLYMORPHIC VITELLINE; VITELLIFORM MACULAR DYSTROPHY, EARLY-ONSET; VITELLIFORM MACULAR DYSTROPHY, JUVENILE-ONSET. Identifiers: Orphanet 1243, MedGen C2745945, MONDO:0007931, OMIM 153700.
BEST1-related disorder. Also called: BEST1-related disorders; BEST1-related condition. Identifiers: MedGen CN239200.

Submissions (6):

Labcorp Genetics (formerly Invitae), Labcorp
Classification: Pathogenic. Last evaluated: 2024-10-26. Review status: criteria provided, single submitter. Criteria: Invitae Variant Classification Sherloc (09022015). Collection method: clinical testing. Allele origin: germline.
Comment: This sequence change replaces asparagine, which is neutral and polar, with serine, which is neutral and polar, at codon 296 of the BEST1 protein (p.Asn296Ser). This variant is not present in population databases (gnomAD no frequency). This missense change has been observed in individuals with autosomal dominant Best vitelliform macular dystrophy (PMID: 11241846, 27031371). ClinVar contains an entry for this variant (Variation ID: 99764). Invitae Evidence Modeling of protein sequence and biophysical properties (such as structural, functional, and spatial information, amino acid conservation, physicochemical variation, residue mobility, and thermodynamic stability) indicates that this missense variant is expected to disrupt BEST1 protein function with a positive predictive value of 95%. This variant disrupts the p.Asn296 amino acid residue in BEST1. Other variant(s) that disrupt this residue have been determined to be pathogenic (PMID: 10798642; internal data). This suggests that this residue is clinically significant, and that variants that disrupt this residue are likely to be disease-causing. For these reasons, this variant has been classified as Pathogenic.

Blueprint Genetics
Classification: Pathogenic for BEST1-related disorders. Last evaluated: 2023-05-29. Review status: criteria provided, single submitter. Criteria: ACMG Guidelines, 2015. Collection method: clinical testing. Allele origin: germline. Affected: yes. Observed: 2 variant alleles.

Institute of Human Genetics, Univ. Regensburg, Univ. Regensburg
Classification: Pathogenic for Retinal dystrophy. Last evaluated: 2010-01-01. Review status: criteria provided, single submitter. Criteria: ACMG Guidelines, 2015. Collection method: clinical testing. Allele origin: germline. Affected: yes.

Sharon lab, Hadassah-Hebrew University Medical Center
Classification: Pathogenic for Best disease. Last evaluated: 2019-06-23. Review status: no assertion criteria provided. Collection method: research. Allele origin: inherited. Affected: yes. Not counted in ClinVar's aggregate classification.

Department of Clinical Genetics, Copenhagen University Hospital, Rigshospitalet
Classification: Likely pathogenic for Macular dystrophy. Last evaluated: 2018-04-01. Review status: no assertion criteria provided. Collection method: research. Allele origin: unknown. Affected: yes. Study: VeluxRD. Not counted in ClinVar's aggregate classification.

Retina International
No classification provided. Review status: no classification provided. Collection method: not provided. Allele origin: not provided. Not counted in ClinVar's aggregate classification.

Literature cited by the submitters: PubMed 11241846 (cited by Labcorp Genetics (formerly Invitae), Labcorp and Institute of Human Genetics, Univ. Regensburg, Univ. Regensburg); PubMed 27031371 (cited by Labcorp Genetics (formerly Invitae), Labcorp and Institute of Human Genetics, Univ. Regensburg, Univ. Regensburg); PubMed 10798642 (cited by Labcorp Genetics (formerly Invitae), Labcorp); PubMed 28687848 (cited by Institute of Human Genetics, Univ. Regensburg, Univ. Regensburg); PubMed 31456290 (cited by Institute of Human Genetics, Univ. Regensburg, Univ. Regensburg); PubMed 30718709 (cited by Department of Clinical Genetics, Copenhagen University Hospital, Rigshospitalet).

NM_004183.4(BEST1):c.887A>G (p.Asn296Ser)

Gene: BEST1 (bestrophin 1; plus strand). Cytogenetic location: 11q12.3.
Variant type: single nucleotide variant.
Coding change: c.887A>G on transcript NM_004183.4 (MANE Select); coding-DNA position 887, A replaced by G.
Protein change: p.Asn296Ser; replaces asparagine 296 with serine.
Molecular consequence: missense variant. On other transcripts: non-coding transcript variant (1), intron variant (1).
Genome position (GRCh38, 1-based): chr11:61,959,517, A>G. VCF-style: chr11-61959517-A-G. GRCh37 (hg19) VCF-style: chr11-61726989-A-G.
Other names: c.707A>G, p.Asn236Ser (NM_001300787.2, NM_001139443.3); c.569A>G, p.Asn190Ser (NM_001363591.3); c.1090A>G, p.Thr364Ala (NM_001363592.2); c.-86A>G (NM_001363593.3); c.688-375A>G (NM_001300786.2); short protein forms N296S, N190S, N236S, T364A.
Identifiers: ClinVar variation 99764 (VCV000099764.11), dbSNP rs281865255, ClinGen allele CA227834.
Genomic context (GRCh38, chr11:61,959,517, plus strand): 5'-AGTTCTGCCTGAGGGTTTACAGAGCCTCACCTGTCCCCAAGGTGGCAGAGCAGCTCATCA[A>G]CCCCTTTGGAGAGGATGATGATGATTTTGAGACCAACTGGATTGTCGACAGGAATTTGCA-3'
Protein context (NP_004174.1, residues 286-306): GWLKVAEQLI[Asn296Ser]PFGEDDDDFE